The following is an entry in ClinVar:

ClinVar aggregate classification (germline): Uncertain significance (1 of 4 stars; one submission).

gnomAD v4.1: 11 of 1,613,948 alleles (0.00068%); highest among the groups gnomAD compares: Non-Finnish European, 0.00093%; no homozygotes.

Submission:

Labcorp Genetics (formerly Invitae), Labcorp
Classification: Uncertain significance. Last evaluated: 2025-06-12. Review status: criteria provided, single submitter. Criteria: Invitae Variant Classification Sherloc (09022015). Collection method: clinical testing. Allele origin: germline.
Comment: This sequence change replaces threonine, which is neutral and polar, with lysine, which is basic and polar, at codon 1667 of the VCAN protein (p.Thr1667Lys). This variant is present in population databases (no rsID available, gnomAD 0.0009%). This variant has not been reported in the literature in individuals affected with VCAN-related conditions. An algorithm developed to predict the effect of missense changes on protein structure and function (PolyPhen-2) suggests that this variant is likely to be tolerated. In summary, the available evidence is currently insufficient to determine the role of this variant in disease. Therefore, it has been classified as a Variant of Uncertain Significance.

NM_004385.5(VCAN):c.5000C>A (p.Thr1667Lys)

Genes: VCAN (versican; plus strand), VCAN-AS1 (VCAN antisense RNA 1; minus strand). Cytogenetic location: 5q14.3.
Variant type: single nucleotide variant.
Coding change: c.5000C>A on transcript NM_004385.5 (MANE Select); coding-DNA position 5000, C replaced by A.
Protein change: p.Thr1667Lys; replaces threonine 1667 with lysine.
Molecular consequence: missense variant. On other transcripts: intron variant (2).
Genome position (GRCh38, 1-based): chr5:83,538,003, C>A. VCF-style: chr5-83538003-C-A. GRCh37 (hg19) VCF-style: chr5-82833822-C-A.
Other names: c.2039C>A, p.Thr680Lys (NM_001164097.2); c.4004-7534C>A (NM_001164098.2); c.1043-7534C>A (NM_001126336.3); short protein forms T1667K, T680K.
Identifiers: ClinVar variation 4776405 (VCV004776405.1).